The following is an entry in ClinVar:

NM_015354.3(NUP188):c.2910G>A (p.Gln970=)

Gene: NUP188 (nucleoporin 188; plus strand). Cytogenetic location: 9q34.11.
Variant type: single nucleotide variant.
Coding change: c.2910G>A on transcript NM_015354.3 (MANE Select); coding-DNA position 2910, G replaced by A.
Protein change: p.Gln970=; no amino-acid change (glutamine 970 retained).
Molecular consequence: synonymous variant.
Genome position (GRCh38, 1-based): chr9:128,993,587, G>A. VCF-style: chr9-128993587-G-A. GRCh37 (hg19) VCF-style: chr9-131755866-G-A.
Identifiers: ClinVar variation 5038948 (VCV005038948.1).

ClinVar aggregate classification (germline): Likely benign (1 of 4 stars; one submission).

gnomAD v4.1: 56 of 1,614,146 alleles (0.0035%); highest among the groups gnomAD compares: African/African-American, 0.064%; no homozygotes.

Submission:

CeGaT Center for Human Genetics Tuebingen
Classification: Likely benign. Last evaluated: 2026-07-01. Review status: criteria provided, single submitter. Criteria: CeGaT Center For Human Genetics Tuebingen Variant Classification Criteria Version 2. Collection method: clinical testing. Allele origin: germline. Affected: yes. Observed: 1 variant allele.
Comment: NUP188: BP4, BP7